The following is an entry in ClinVar:

NM_002055.5(GFAP):c.287C>T (p.Ala96Val)

Gene: GFAP (glial fibrillary acidic protein; minus strand). Cytogenetic location: 17q21.31.
Variant type: single nucleotide variant.
Coding change: c.287C>T on transcript NM_002055.5 (MANE Select); coding-DNA position 287, C replaced by T.
Protein change: p.Ala96Val; replaces alanine 96 with valine.
Molecular consequence: missense variant.
Genome position (GRCh38, 1-based): chr17:44,915,200, G>A on the plus strand (C>T on the coding strand, the complement: GFAP is on the minus strand). VCF-style: chr17-44915200-G-A. GRCh37 (hg19) VCF-style: chr17-42992568-G-A.
Other names: NM_002055.5(GFAP):c.287C>T; p.Ala96Val; c.287C>T, p.Ala96Val (NM_001131019.3, NM_001242376.3, NM_001363846.2); c.287C>T (NM_002055.4); short protein forms A96V.
Identifiers: ClinVar variation 2148298 (VCV002148298.10), dbSNP rs552590923, ClinGen allele CA8609071.

ClinVar aggregate classification (germline): Benign. Review status: reviewed by expert panel (3 of 4 stars). 6 submissions from 6 submitters: Benign (1). 5 of the submissions do not count toward it. Last evaluated 2026-10-23.

Conditions:
Inborn genetic diseases. Identifiers: MedGen C0950123, MeSH D030342.
Alexander disease (ALXDRD). Also called: Alexander's disease. Identifiers: Orphanet 58, MedGen C0270726, MONDO:0008752, OMIM 203450.

Allele frequency attached by ClinVar (database versions not stated): TOPMed 0.00005; ExAC 0.00007; gnomAD 0.00008; 1000 Genomes Project 30x 0.00016; 1000 Genomes Project 0.00020.
gnomAD v4.1: 112 of 1,614,214 alleles (0.0069%); highest among the groups gnomAD compares: Admixed American, 0.018%; no homozygotes.

Submissions (6):

ClinGen Leukodystrophy and Leukoencephalopathy Variant Curation Expert Panel, ClinGen
Classification: Benign for Alexander disease. Last evaluated: 2026-10-23. Review status: reviewed by expert panel. Criteria: ClinGen Leuko ACMG Specifications GFAP V1.0. Collection method: curation. Allele origin: germline. Inheritance: Autosomal dominant inheritance.
Comment: The c.287C>T variant in GFAP is a missense variant predicted to cause substitution of alanine by valine at amino acid 96 (p.Ala96Val). The GrpMax filtering allele frequency in gnomAD v4.1.0 is 0.0001020 from the Admixed American genetic ancestry group (the lower threshold of the 95% CI of 112/1614214 alleles), which is higher than the ClinGen Leukodystrophy and Leukoencephalopathy threshold (>0.0001) for BA1, and therefore meets this criterion (BA1). This variant has not been reported in any probands/families meeting phenotypic criteria for Alexander disease. There is no conflicting evidence for this variant. In summary, this variant meets the criteria to be classified as benign for Alexander disease based on the ACMG/AMP criteria applied, as specified by the ClinGen Leukodystrophy and Leukoencephalopathy Expert Panel Specifications to the ACMG/AMP Variant Interpretation Guidelines for GFAP Version 1.0.0: BA1.

CeGaT Center for Human Genetics Tuebingen
Classification: Likely benign. Last evaluated: 2026-09-01. Review status: criteria provided, single submitter. Criteria: CeGaT Center For Human Genetics Tuebingen Variant Classification Criteria Version 2. Collection method: clinical testing. Allele origin: germline. Affected: yes. Observed: 1 variant allele. Not counted in ClinVar's aggregate classification.
Comment: GFAP: BP4, BS2

Labcorp Genetics (formerly Invitae), Labcorp
Classification: Uncertain significance. Last evaluated: 2024-05-17. Review status: criteria provided, single submitter. Criteria: Invitae Variant Classification Sherloc (09022015). Collection method: clinical testing. Allele origin: germline. Not counted in ClinVar's aggregate classification.
Comment: This sequence change replaces alanine, which is neutral and non-polar, with valine, which is neutral and non-polar, at codon 96 of the GFAP protein (p.Ala96Val). This variant is present in population databases (rs552590923, gnomAD 0.02%). This variant has not been reported in the literature in individuals affected with GFAP-related conditions. ClinVar contains an entry for this variant (Variation ID: 2148298). Algorithms developed to predict the effect of missense changes on protein structure and function output the following: SIFT: "Not Available"; PolyPhen-2: "Benign"; Align-GVGD: "Not Available". The valine amino acid residue is found in multiple mammalian species, which suggests that this missense change does not adversely affect protein function. In summary, the available evidence is currently insufficient to determine the role of this variant in disease. Therefore, it has been classified as a Variant of Uncertain Significance.

Revvity Omics, Revvity
Classification: Uncertain significance for Alexander disease. Last evaluated: 2023-10-31. Review status: criteria provided, single submitter. Criteria: ACMG Guidelines, 2015. Collection method: clinical testing. Allele origin: germline. Not counted in ClinVar's aggregate classification.

Blueprint Genetics
Classification: Likely benign. Last evaluated: 2023-08-08. Review status: criteria provided, single submitter. Criteria: ACMG Guidelines, 2015. Collection method: clinical testing. Allele origin: germline. Not counted in ClinVar's aggregate classification.

Ambry Genetics
Classification: Likely benign for Inborn genetic diseases. Last evaluated: 2022-02-14. Review status: criteria provided, single submitter. Criteria: Ambry Variant Classification Scheme 2023. Collection method: clinical testing. Allele origin: germline. Not counted in ClinVar's aggregate classification.